The following is an entry in ClinVar:

NM_015122.3(FCHO1):c.527G>A (p.Arg176Gln)

Gene: FCHO1 (FCH and mu domain containing endocytic adaptor 1; plus strand). Cytogenetic location: 19p13.11.
Variant type: single nucleotide variant.
Coding change: c.527G>A on transcript NM_015122.3 (MANE Select); coding-DNA position 527, G replaced by A.
Protein change: p.Arg176Gln; replaces arginine 176 with glutamine.
Molecular consequence: missense variant. On other transcripts: non-coding transcript variant (36).
Genome position (GRCh38, 1-based): chr19:17,770,829, G>A. VCF-style: chr19-17770829-G-A. GRCh37 (hg19) VCF-style: chr19-17881638-G-A.
Other names: c.527G>A, p.Arg176Gln (NM_001384392.1, NM_001384393.1, NM_001384394.1 and 26 more transcripts); c.377G>A, p.Arg126Gln (NM_001161359.2, NM_001384384.1, NM_001384385.1 and 3 more transcripts); c.488G>A, p.Arg163Gln (NM_001384388.1, NM_001384389.1, NM_001384405.1); c.452G>A, p.Arg151Gln (NM_001384390.1); c.527G>A (NM_001161357.1); short protein forms R126Q, R151Q, R163Q, R176Q.
Identifiers: ClinVar variation 1381111 (VCV001381111.6), dbSNP rs748511310, ClinGen allele CA9300139.

ClinVar aggregate classification (germline): Uncertain significance. Review status: criteria provided, multiple submitters, no conflicts (2 of 4 stars). 2 submissions from 2 submitters: Uncertain significance (2). Last evaluated 2025-09-09.

Allele frequency attached by ClinVar (database versions not stated): gnomAD exomes 0.00001 and 0.00003; ExAC 0.00002; gnomAD 0.00002; TOPMed 0.00005.
gnomAD v4.1: 17 of 1,614,026 alleles (0.0011%); highest among the groups gnomAD compares: Admixed American, 0.012%; no homozygotes.

Submissions (2):

Ambry Genetics
Classification: Uncertain significance. Last evaluated: 2025-09-09. Review status: criteria provided, single submitter. Criteria: Ambry Variant Classification Scheme 2023. Collection method: clinical testing. Allele origin: germline.

Labcorp Genetics (formerly Invitae), Labcorp
Classification: Uncertain significance. Last evaluated: 2022-09-01. Review status: criteria provided, single submitter. Criteria: Invitae Variant Classification Sherloc (09022015). Collection method: clinical testing. Allele origin: germline.
Comment: This sequence change replaces arginine, which is basic and polar, with glutamine, which is neutral and polar, at codon 176 of the FCHO1 protein (p.Arg176Gln). This variant is present in population databases (rs748511310, gnomAD 0.01%). This variant has not been reported in the literature in individuals affected with FCHO1-related conditions. ClinVar contains an entry for this variant (Variation ID: 1381111). Algorithms developed to predict the effect of missense changes on protein structure and function output the following: SIFT: "Tolerated"; PolyPhen-2: "Benign"; Align-GVGD: "Class C0". The glutamine amino acid residue is found in multiple mammalian species, which suggests that this missense change does not adversely affect protein function. In summary, the available evidence is currently insufficient to determine the role of this variant in disease. Therefore, it has been classified as a Variant of Uncertain Significance.